The following is an entry in ClinVar:

ClinVar aggregate classification (germline): Likely benign. Review status: criteria provided, multiple submitters, no conflicts (2 of 4 stars). 5 submissions from 4 submitters: Likely benign (4). 1 of the submissions does not count toward it. Last evaluated 2026-02-01.

Conditions:
RNU4ATAC-related disorder. Also called: RNU4ATAC-related condition.
CLASP1-related disorder. Also called: CLASP1-related condition.

Allele frequency attached by ClinVar (database versions not stated): 1000 Genomes Project 30x 0.00094; 1000 Genomes Project 0.00100; ExAC 0.00158.
gnomAD v4.1: 2,034 of 695,470 alleles (0.29%); highest among the groups gnomAD compares: Middle Eastern, 0.41%; 5 homozygotes.

Submissions (5):

Labcorp Genetics (formerly Invitae), Labcorp
Classification: Likely benign. Last evaluated: 2026-02-01. Review status: criteria provided, single submitter. Criteria: Invitae Variant Classification Sherloc (09022015). Collection method: clinical testing. Allele origin: germline.

Blueprint Genetics
Classification: Likely benign. Last evaluated: 2024-11-19. Review status: criteria provided, single submitter. Criteria: ACMG Guidelines, 2015. Collection method: clinical testing. Allele origin: germline.

PreventionGenetics, part of Exact Sciences
Classification: Likely benign for CLASP1-related condition. Last evaluated: 2023-12-14. Review status: criteria provided, single submitter. Criteria: ACMG Guidelines, 2015. Collection method: clinical testing. Allele origin: germline.
Comment: This variant is classified as likely benign based on ACMG/AMP sequence variant interpretation guidelines (Richards et al. 2015 PMID: 25741868, with internal and published modifications).

CeGaT Center for Human Genetics Tuebingen
Classification: Likely benign. Last evaluated: 2023-11-01. Review status: criteria provided, single submitter. Criteria: CeGaT Center For Human Genetics Tuebingen Variant Classification Criteria Version 2. Collection method: clinical testing. Allele origin: germline. Affected: yes. Observed: 4 variant alleles.
Comment: RNU4ATAC: BS2

PreventionGenetics, part of Exact Sciences
Classification: Likely benign for RNU4ATAC-related condition. Last evaluated: 2023-12-14. Review status: no assertion criteria provided. Collection method: clinical testing. Allele origin: germline. Not counted in ClinVar's aggregate classification.
Comment: the same text as in the submission from PreventionGenetics, part of Exact Sciences above.

NM_001395891.1(CLASP1):c.196-577G>A

Genes: CLASP1 (cytoplasmic linker associated protein 1; minus strand), CLASP1-AS1 (CLASP1 antisense RNA 1; plus strand), RNU4ATAC (RNA, U4atac small nuclear; plus strand). Cytogenetic location: 2q14.2.
Variant type: single nucleotide variant.
Coding change: c.196-577G>A on transcript NM_001395891.1 (MANE Select); 577 bases into the intron before coding-DNA position 196, G replaced by A.
Molecular consequence: intron variant.
Genome position (GRCh38, 1-based): chr2:121,530,902, C>T on the plus strand (G>A on the coding strand, the complement: CLASP1 is on the minus strand). VCF-style: chr2-121530902-C-T. GRCh37 (hg19) VCF-style: chr2-122288478-C-T.
Other names: c.196-577G>A (NM_001378004.1, NM_001142273.2, NM_001207051.2 and 4 more transcripts).
Identifiers: ClinVar variation 1133987 (VCV001133987.34), dbSNP rs144448852, ClinGen allele CA1854684.